The following is an entry in ClinVar:

NM_001379610.1(SPINK1):c.-22C>T

Gene: SPINK1 (serine peptidase inhibitor Kazal type 1; minus strand). Cytogenetic location: 5q32.
Variant type: single nucleotide variant.
Coding change: c.-22C>T on transcript NM_001379610.1 (MANE Select); 22 bases upstream of the start codon, C replaced by T.
Molecular consequence: 5 prime UTR variant.
Genome position (GRCh38, 1-based): chr5:147,831,599, G>A on the plus strand (C>T on the coding strand, the complement: SPINK1 is on the minus strand). VCF-style: chr5-147831599-G-A. GRCh37 (hg19) VCF-style: chr5-147211162-G-A.
Other names: c.-22C>T (NM_001354966.2, NM_003122.5).
Identifiers: ClinVar variation 239504 (VCV000239504.28), dbSNP rs190219062, ClinGen allele CA3494841.

ClinVar aggregate classification (germline): Conflicting classifications of pathogenicity. Review status: criteria provided, conflicting classifications (1 of 4 stars). 5 submissions from 5 submitters: Uncertain significance (1); Benign (3); Likely benign (1). Last evaluated 2025-05-19.

Conditions:
Hereditary pancreatitis (PCTT). Also called: PRSS1-Related Hereditary Pancreatitis; Hereditary chronic pancreatitis. Identifiers: Orphanet 676, MedGen C0238339, MONDO:0008185, OMIM 167800.

Allele frequency attached by ClinVar (database versions not stated): 1000 Genomes Project 30x 0.00016; 1000 Genomes Project 0.00020; gnomAD 0.00048 and 0.00051; gnomAD exomes 0.00049 and 0.00087; TOPMed 0.00055; ExAC 0.00060; ESP Exome Variant Server 0.00092.
gnomAD v4.1: 1,338 of 1,613,012 alleles (0.083%); highest among the groups gnomAD compares: Non-Finnish European, 0.11%; 1 homozygote.

Submissions (5):

Labcorp Genetics (formerly Invitae), Labcorp
Classification: Benign for Hereditary pancreatitis. Last evaluated: 2025-05-19. Review status: criteria provided, single submitter. Criteria: Invitae Variant Classification Sherloc (09022015). Collection method: clinical testing. Allele origin: germline.

ARUP Laboratories, Molecular Genetics and Genomics, ARUP Laboratories
Classification: Benign. Last evaluated: 2025-02-18. Review status: criteria provided, single submitter. Criteria: ARUP Molecular Germline Variant Investigation Process 2024. Collection method: clinical testing. Allele origin: germline.

Institute for Clinical Genetics, University Hospital TU Dresden, University Hospital TU Dresden
Classification: Uncertain significance. Last evaluated: 2021-11-03. Review status: criteria provided, single submitter. Criteria: ACMG Guidelines, 2015. Collection method: clinical testing. Allele origin: germline.

Ambry Genetics
Classification: Benign for Hereditary pancreatitis. Last evaluated: 2021-05-11. Review status: criteria provided, single submitter. Criteria: Ambry Variant Classification Scheme 2023. Collection method: clinical testing. Allele origin: germline.

Illumina Laboratory Services, Illumina
Classification: Likely benign for Hereditary pancreatitis. Last evaluated: 2017-04-27. Review status: criteria provided, single submitter. Criteria: ICSL Variant Classification Criteria 13 December 2019. Collection method: clinical testing. Allele origin: germline.
Comment: This variant was observed as part of a predisposition screen in an ostensibly healthy population. A literature search was performed for the gene, cDNA change, and amino acid change (where applicable). Publications were found based on this search. The evidence from the literature, in combination with allele frequency data from public databases where available, was sufficient to determine this variant is unlikely to cause disease. Therefore, this variant is classified as likely benign.

Literature cited by the submitters: PubMed 10691414 (cited by Illumina Laboratory Services, Illumina); PubMed 120111 (cited by Illumina Laboratory Services, Illumina); PubMed 17003641 (cited by Illumina Laboratory Services, Illumina); PubMed 21610753 (cited by Illumina Laboratory Services, Illumina).